The following is an entry in ClinVar:

NM_017514.5(PLXNA3):c.3058A>G (p.Thr1020Ala)

Gene: PLXNA3 (plexin A3; plus strand). Cytogenetic location: Xq28.
Variant type: single nucleotide variant.
Coding change: c.3058A>G on transcript NM_017514.5 (MANE Select); coding-DNA position 3058, A replaced by G.
Protein change: p.Thr1020Ala; replaces threonine 1020 with alanine.
Molecular consequence: missense variant.
Genome position (GRCh38, 1-based): chrX:154,466,744, A>G. VCF-style: chrX-154466744-A-G. GRCh37 (hg19) VCF-style: chrX-153695087-A-G.
Other names: short protein forms T1020A.
Identifiers: ClinVar variation 3421153 (VCV003421153.2).

ClinVar aggregate classification (germline): Uncertain significance. Review status: criteria provided, multiple submitters, no conflicts (2 of 4 stars). 2 submissions from 2 submitters: Uncertain significance (2). Last evaluated 2026-06-16.

gnomAD v4.1: 2 of 1,194,277 alleles (0.00017%); highest among the groups gnomAD compares: South Asian, 0.0018%; no homozygotes.

Submissions (2):

Women's Health and Genetics/Laboratory Corporation of America, LabCorp
Classification: Uncertain significance. Last evaluated: 2026-06-16. Review status: criteria provided, single submitter. Criteria: LabCorp Variant Classification Summary - May 2015. Collection method: clinical testing. Allele origin: germline.
Comment: Variant summary: PLXNA3 c.3058A>G (p.Thr1020Ala) results in a non-conservative amino acid change in the encoded protein sequence. Algorithms developed to predict the effect of missense changes on protein structure and function are either unavailable or do not agree on the potential impact of this missense change. The variant was absent in 149590 control chromosomes. The available data on variant occurrences in the general population are insufficient to allow any conclusion about variant significance. To our knowledge, no occurrence of c.3058A>G in individuals affected with PLXNA3-related conditions and no experimental evidence demonstrating its impact on protein function have been reported. ClinVar contains an entry for this variant (Variation ID: 3421153). Based on the evidence outlined above, the variant was classified as uncertain significance.

Ambry Genetics
Classification: Uncertain significance. Last evaluated: 2024-11-26. Review status: criteria provided, single submitter. Criteria: Ambry Variant Classification Scheme 2023. Collection method: clinical testing. Allele origin: germline.